The following is an entry in ClinVar:

ClinVar aggregate classification (germline): Benign/Likely benign. Review status: criteria provided, multiple submitters, no conflicts (2 of 4 stars). 6 submissions from 6 submitters: Benign (1); Likely benign (5). Last evaluated 2026-06-18.

Conditions:
CTNNA1-related disorder. Also called: CTNNA1-related condition.
Hereditary cancer-predisposing syndrome. Also called: Neoplastic Syndromes, Hereditary; Tumor predisposition; Hereditary neoplastic syndrome; Hereditary Cancer Syndrome. Identifiers: Orphanet 140162, MedGen C0027672, MeSH D009386, MONDO:0015356.
Hereditary diffuse gastric adenocarcinoma (HDGC). Also called: DIFFUSE GASTRIC AND LOBULAR BREAST CANCER SYNDROME. Identifiers: Orphanet 26106, MedGen C1708349, MONDO:0007648, OMIM 137215.

Allele frequency attached by ClinVar (database versions not stated): gnomAD exomes 0.00003 and 0.00005; ExAC 0.00004; gnomAD 0.00004; TOPMed 0.00005.
gnomAD v4.1: 75 of 1,613,374 alleles (0.0046%); highest among the groups gnomAD compares: Non-Finnish European, 0.0062%; no homozygotes.

Submissions (6):

PreventionGenetics, part of Exact Sciences
Classification: Likely benign for CTNNA1-related condition. Last evaluated: 2026-06-18. Review status: criteria provided, single submitter. Criteria: ACMG Guidelines, 2015. Collection method: clinical testing. Allele origin: germline.
Comment: This variant is classified as likely benign based on ACMG/AMP sequence variant interpretation guidelines (Richards et al. 2015 PMID: 25741868, with internal and published modifications).

Labcorp Genetics (formerly Invitae), Labcorp
Classification: Likely benign. Last evaluated: 2026-02-03. Review status: criteria provided, single submitter. Criteria: Invitae Variant Classification Sherloc (09022015). Collection method: clinical testing. Allele origin: germline.

CeGaT Center for Human Genetics Tuebingen
Classification: Likely benign. Last evaluated: 2025-08-01. Review status: criteria provided, single submitter. Criteria: CeGaT Center For Human Genetics Tuebingen Variant Classification Criteria Version 2. Collection method: clinical testing. Allele origin: germline. Affected: yes. Observed: 1 variant allele.
Comment: CTNNA1: BP4, BP7

Blueprint Genetics
Classification: Likely benign. Last evaluated: 2024-11-25. Review status: criteria provided, single submitter. Criteria: ACMG Guidelines, 2015. Collection method: clinical testing. Allele origin: germline.

Myriad Genetics, Inc.
Classification: Benign for Hereditary diffuse gastric adenocarcinoma. Last evaluated: 2024-10-10. Review status: criteria provided, single submitter. Criteria: Myriad Autosomal Dominant, Autosomal Recessive and X-Linked Classification Criteria (2023). Collection method: clinical testing. Allele origin: unknown.
Comment: This variant is considered benign. This variant is a silent/synonymous amino acid change and it is not expected to impact splicing.

Ambry Genetics
Classification: Likely benign for Hereditary cancer-predisposing syndrome. Last evaluated: 2019-01-02. Review status: criteria provided, single submitter. Criteria: Ambry Variant Classification Scheme 2023. Collection method: clinical testing. Allele origin: germline.

NM_001903.5(CTNNA1):c.819A>T (p.Gly273=)

Gene: CTNNA1 (catenin alpha 1; plus strand). Cytogenetic location: 5q31.2.
Variant type: single nucleotide variant.
Coding change: c.819A>T on transcript NM_001903.5 (MANE Select); coding-DNA position 819, A replaced by T.
Protein change: p.Gly273=; no amino-acid change (glycine 273 retained).
Molecular consequence: synonymous variant.
Genome position (GRCh38, 1-based): chr5:138,824,760, A>T. VCF-style: chr5-138824760-A-T. GRCh37 (hg19) VCF-style: chr5-138160449-A-T.
Other names: c.819A>T, p.Gly273= (NM_001290307.3, NM_001323982.2, NM_001323983.1 and 3 more transcripts); c.510A>T, p.Gly170= (NM_001290309.3); c.450A>T, p.Gly150= (NM_001290310.3); c.819A>T (NM_001903.4).
Identifiers: ClinVar variation 698914 (VCV000698914.25), dbSNP rs757576182, ClinGen allele CA3431565.